The following is an entry in ClinVar:

ClinVar aggregate classification (germline): Uncertain significance (1 of 4 stars; one submission).

Conditions:
Spastic paraplegia. Identifiers: MedGen C0037772, HP:0001258.

Submission:

Labcorp Genetics (formerly Invitae), Labcorp
Classification: Uncertain significance for Spastic paraplegia. Last evaluated: 2018-10-01. Review status: criteria provided, single submitter. Criteria: Invitae Variant Classification Sherloc (09022015). Collection method: clinical testing. Allele origin: germline.
Comment: This sequence change replaces aspartic acid with glycine at codon 1239 of the KDM5C protein (p.Asp1239Gly). The aspartic acid residue is moderately conserved and there is a moderate physicochemical difference between aspartic acid and glycine. This variant is not present in population databases (ExAC no frequency). This variant has not been reported in the literature in individuals with KDM5C-related disease. Algorithms developed to predict the effect of missense changes on protein structure and function are either unavailable or do not agree on the potential impact of this missense change (SIFT: "Deleterious"; PolyPhen-2: "Possibly Damaging"; Align-GVGD: "Class C0"). In summary, the available evidence is currently insufficient to determine the role of this variant in disease. Therefore, it has been classified as a Variant of Uncertain Significance.

NM_004187.5(KDM5C):c.3716A>G (p.Asp1239Gly)

Gene: KDM5C (lysine demethylase 5C; minus strand). Cytogenetic location: Xp11.22.
Variant type: single nucleotide variant.
Coding change: c.3716A>G on transcript NM_004187.5 (MANE Select); coding-DNA position 3716, A replaced by G.
Protein change: p.Asp1239Gly; replaces aspartic acid 1239 with glycine.
Molecular consequence: missense variant. On other transcripts: non-coding transcript variant (3).
Genome position (GRCh38, 1-based): chrX:53,194,461, T>C on the plus strand (A>G on the coding strand, the complement: KDM5C is on the minus strand). VCF-style: chrX-53194461-T-C. GRCh37 (hg19) VCF-style: chrX-53223643-T-C.
Other names: c.3515A>G, p.Asp1172Gly (NM_001146702.2); c.3713A>G, p.Asp1238Gly (NM_001282622.3, NM_001353979.2, NM_001353982.2); c.3716A>G, p.Asp1239Gly (NM_001353978.3, NM_001353981.2, NM_001353984.2); short protein forms D1172G, D1238G, D1239G.
Identifiers: ClinVar variation 641753 (VCV000641753.1), dbSNP rs1602161687, ClinGen allele CA413107495.